The following is an entry in ClinVar:

NM_002047.4(GARS1):c.643G>C (p.Asp215His)

Gene: GARS1 (glycyl-tRNA synthetase 1; plus strand). Cytogenetic location: 7p14.3.
Variant type: single nucleotide variant.
Coding change: c.643G>C on transcript NM_002047.4 (MANE Select); coding-DNA position 643, G replaced by C.
Protein change: p.Asp215His; replaces aspartic acid 215 with histidine.
Molecular consequence: missense variant.
Genome position (GRCh38, 1-based): chr7:30,603,107, G>C. VCF-style: chr7-30603107-G-C. GRCh37 (hg19) VCF-style: chr7-30642723-G-C.
Other names: c.481G>C, p.Asp161His (NM_001316772.1); c.643G>C (LRG_243t1); short protein forms D215H, D161H.
Identifiers: ClinVar variation 617635 (VCV000617635.3), dbSNP rs1584026191, ClinGen allele CA367139816.
Genomic context (GRCh38, chr7:30,603,107, plus strand): 5'-GTAGACAAATTTGCTGACTTCATGGTGAAAGACGTAAAAAATGGAGAATGTTTTCGTGCT[G>C]ACCATCTATTAAAAGGTGAGGTTCTTCATCTCCTTCAGGTAGGATTGATCAAAATAAAAG-3'
Protein context (NP_002038.2, residues 205-225): DVKNGECFRA[Asp215His]HLLKAHLQKL

ClinVar aggregate classification (germline): Likely pathogenic (0 of 4 stars; one submission).

Conditions:
Neuronopathy, distal hereditary motor, type 5A (HMND5). Also called: Distal Spinal Muscular Atrophy V; DHMN VA; NEURONOPATHY, DISTAL HEREDITARY MOTOR, AUTOSOMAL DOMINANT 5; Distal Spinal Muscular Atrophy V (dSMA-V). Identifiers: Orphanet 139536, MedGen CN031873, MONDO:0015353, OMIM 600794.

Submission:

Department of Neurology, Hospital Garcia de Orta
Classification: Likely pathogenic for Neuronopathy, distal hereditary motor, type 5A. Last evaluated: 2017-09-21. Review status: no assertion criteria provided. Collection method: clinical testing. Allele origin: paternal. Inheritance: Autosomal dominant inheritance. Affected: yes. Observed: 3 variant alleles, 3 heterozygotes. Clinical features observed: Distal muscle weakness (HP:0002460).
Comment: Probable pathogenicity was indicated by: suggestive autosomal dominant pattern of transmission (co-segregation was confirmed in all affected relatives of the family); absence in gnomAD, 1000 Genomes, ESP, dbSNP databases; and bioinformatics analysis with GVGD, SIFT, Polyphen-2, Mutation Taster and CADD score predict it to be deleterious; no other mutation found.